The following is an entry in ClinVar:

NM_000243.3(MEFV):c.561C>T (p.Ser187=)

Gene: MEFV (MEFV innate immunity regulator, pyrin; minus strand). Cytogenetic location: 16p13.3.
Variant type: single nucleotide variant.
Coding change: c.561C>T on transcript NM_000243.3 (MANE Select); coding-DNA position 561, C replaced by T.
Protein change: p.Ser187=; no amino-acid change (serine 187 retained).
Molecular consequence: synonymous variant. On other transcripts: intron variant (1).
Genome position (GRCh38, 1-based): chr16:3,254,507, G>A on the plus strand (C>T on the coding strand, the complement: MEFV is on the minus strand). VCF-style: chr16-3254507-G-A. GRCh37 (hg19) VCF-style: chr16-3304507-G-A.
Other names: c.561C>T (NM_000243.2); c.277+1804C>T (NM_001198536.2).
Identifiers: ClinVar variation 1104987 (VCV001104987.11), dbSNP rs910638883, ClinGen allele CA276902675.

ClinVar aggregate classification (germline): Likely benign. Review status: criteria provided, single submitter (1 of 4 stars). 2 submissions from 2 submitters: Likely benign (1). 1 of the submissions does not count toward it. Last evaluated 2025-04-14.

Conditions:
Familial Mediterranean fever (FMF). Also called: POLYSEROSITIS, FAMILIAL PAROXYSMAL; POLYSEROSITIS, RECURRENT; Periodic peritonitis; Benign paroxysmal peritonitis. Identifiers: Orphanet 342, MedGen C0031069, MONDO:0018088, OMIM 249100. Disease mechanism: gain of function.
MEFV-related disorder. Also called: MEFV-related condition; MEFV-related disorders.

Allele frequency attached by ClinVar (database versions not stated): gnomAD 0.00001; TOPMed 0.00001; gnomAD exomes 0.00002 and 0.00005.
gnomAD v4.1: 64 of 1,565,580 alleles (0.0041%); highest among the groups gnomAD compares: Non-Finnish European, 0.0053%; no homozygotes.

Submissions (2):

Labcorp Genetics (formerly Invitae), Labcorp
Classification: Likely benign for Familial Mediterranean fever. Last evaluated: 2025-04-14. Review status: criteria provided, single submitter. Criteria: Invitae Variant Classification Sherloc (09022015). Collection method: clinical testing. Allele origin: germline.

PreventionGenetics, part of Exact Sciences
Classification: Likely benign for MEFV-related condition. Last evaluated: 2020-01-17. Review status: no assertion criteria provided. Collection method: clinical testing. Allele origin: germline. Not counted in ClinVar's aggregate classification.
Comment: This variant is classified as likely benign based on ACMG/AMP sequence variant interpretation guidelines (Richards et al. 2015 PMID: 25741868, with internal and published modifications).